The following is an entry in ClinVar:

NM_138927.4(SON):c.2554G>A (p.Asp852Asn)

Gene: SON (SON DNA and RNA binding protein; plus strand). Cytogenetic location: 21q22.11.
Variant type: single nucleotide variant.
Coding change: c.2554G>A on transcript NM_138927.4 (MANE Select); coding-DNA position 2554, G replaced by A.
Protein change: p.Asp852Asn; replaces aspartic acid 852 with asparagine.
Molecular consequence: missense variant. On other transcripts: non-coding transcript variant (1), intron variant (1).
Genome position (GRCh38, 1-based): chr21:33,551,785, G>A. VCF-style: chr21-33551785-G-A. GRCh37 (hg19) VCF-style: chr21-34924091-G-A.
Other names: c.2554G>A, p.Asp852Asn (NM_001291411.2, NM_001412133.1, NM_032195.3 and 2 more transcripts); c.245-5371G>A (NM_001291412.3); short protein forms D852N.
Identifiers: ClinVar variation 2831735 (VCV002831735.3), dbSNP rs995051476, ClinGen allele CA320150576.
Genomic context (GRCh38, chr21:33,551,785, plus strand): 5'-GACTCCCAGATGTTAGCAACCAGCACCATGGATTCTCAGATGTTAGCAACCAGCACCATG[G>A]ACTCCCAGATGTTAGCAACTAGCTCAATGGATTCCCAGATGTTAGCATCTGGCACTATGG-3'
Protein context (NP_620305.3, residues 842-862): DSQMLATSTM[Asp852Asn]SQMLATSSMD

ClinVar aggregate classification (germline): Uncertain significance (1 of 4 stars; one submission).

Submission:

Labcorp Genetics (formerly Invitae), Labcorp
Classification: Uncertain significance. Last evaluated: 2023-04-07. Review status: criteria provided, single submitter. Criteria: Invitae Variant Classification Sherloc (09022015). Collection method: clinical testing. Allele origin: germline.
Comment: In summary, the available evidence is currently insufficient to determine the role of this variant in disease. Therefore, it has been classified as a Variant of Uncertain Significance. An algorithm developed to predict the effect of missense changes on protein structure and function (PolyPhen-2) suggests that this variant is likely to be disruptive. This variant has not been reported in the literature in individuals affected with SON-related conditions. This variant is not present in population databases (gnomAD no frequency). This sequence change replaces aspartic acid, which is acidic and polar, with asparagine, which is neutral and polar, at codon 852 of the SON protein (p.Asp852Asn).